The following is an entry in ClinVar:

NM_000057.4(BLM):c.447T>A (p.Ser149Arg)

Gene: BLM (BLM RecQ like helicase; plus strand). Cytogenetic location: 15q26.1.
Variant type: single nucleotide variant.
Coding change: c.447T>A on transcript NM_000057.4 (MANE Select); coding-DNA position 447, T replaced by A.
Protein change: p.Ser149Arg; replaces serine 149 with arginine.
Molecular consequence: missense variant. On other transcripts: 5 prime UTR variant (1).
Genome position (GRCh38, 1-based): chr15:90,749,715, T>A. VCF-style: chr15-90749715-T-A. GRCh37 (hg19) VCF-style: chr15-91292945-T-A.
Other names: c.447T>A, p.Ser149Arg (NM_001287246.2, NM_001287247.2); c.-845T>A (NM_001287248.2); short protein forms S149R.
Identifiers: ClinVar variation 3722740 (VCV003722740.2).

ClinVar aggregate classification (germline): Uncertain significance (1 of 4 stars; one submission).

Conditions:
Bloom syndrome (BLM). Also called: Bloom-Torre-Machacek syndrome. Identifiers: Orphanet 125, MedGen C0005859, MONDO:0008876, OMIM 210900.

gnomAD v4.1: 14 of 1,614,182 alleles (0.00087%); highest among the groups gnomAD compares: Non-Finnish European, 0.0012%; no homozygotes.

Submission:

Labcorp Genetics (formerly Invitae), Labcorp
Classification: Uncertain significance for Bloom syndrome. Last evaluated: 2025-10-07. Review status: criteria provided, single submitter. Criteria: Invitae Variant Classification Sherloc (09022015). Collection method: clinical testing. Allele origin: germline.
Comment: This sequence change replaces serine, which is neutral and polar, with arginine, which is basic and polar, at codon 149 of the BLM protein (p.Ser149Arg). This variant is not present in population databases (gnomAD no frequency). This variant has not been reported in the literature in individuals affected with BLM-related conditions. ClinVar contains an entry for this variant (Variation ID: 3722740). An algorithm developed to predict the effect of missense changes on protein structure and function outputs the following: PolyPhen-2: "Benign". The arginine amino acid residue is found in multiple mammalian species, which suggests that this missense change does not adversely affect protein function. In summary, the available evidence is currently insufficient to determine the role of this variant in disease. Therefore, it has been classified as a Variant of Uncertain Significance.